The following is an entry in ClinVar:

ClinVar aggregate classification (germline): Uncertain significance (1 of 4 stars; one submission).

Conditions:
Neurodevelopmental disorder with coarse facies and mild distal skeletal abnormalities. Also called: STOLERMAN NEURODEVELOPMENTAL SYNDROME. Identifiers: MedGen C5193134, MONDO:0032790, OMIM 618505.

Submission:

3billion
Classification: Uncertain significance for Neurodevelopmental disorder with coarse facies and mild distal skeletal abnormalities. Last evaluated: 2026-01-26. Review status: criteria provided, single submitter. Criteria: ACMG Guidelines, 2015. Collection method: clinical testing. Allele origin: germline. Affected: yes.
Comment: The variant is not observed in the gnomAD v4.1.0 dataset. Predicted Consequence/Location: Missense variant In silico tool predictions suggest damaging effect of the variant on gene or gene product [3Cnet: 0.90 (> 0.75, sensitivity 0.96 and precision 0.92)]. Therefore, this variant is classified as VUS according to the recommendation of ACMG/AMP guideline.

NM_001348716.2(KDM6B):c.4241A>C (p.His1414Pro)

Genes: KDM6B (lysine demethylase 6B; plus strand), LOC121587574 (Sharpr-MPRA regulatory region 3930; plus strand). Cytogenetic location: 17p13.1.
Variant type: single nucleotide variant.
Coding change: c.4241A>C on transcript NM_001348716.2 (MANE Select); coding-DNA position 4241, A replaced by C.
Protein change: p.His1414Pro; replaces histidine 1414 with proline.
Molecular consequence: missense variant.
Genome position (GRCh38, 1-based): chr17:7,852,026, A>C. VCF-style: chr17-7852026-A-C. GRCh37 (hg19) VCF-style: chr17-7755344-A-C.
Other names: c.4241A>C, p.His1414Pro (NM_001080424.2); short protein forms H1414P.
Identifiers: ClinVar variation 4855593 (VCV004855593.1).